The following is an entry in ClinVar:

NM_144670.6(A2ML1):c.1778C>A (p.Ala593Glu)

Gene: A2ML1 (alpha-2-macroglobulin like 1; plus strand). Cytogenetic location: 12p13.31.
Variant type: single nucleotide variant.
Coding change: c.1778C>A on transcript NM_144670.6 (MANE Select); coding-DNA position 1778, C replaced by A.
Protein change: p.Ala593Glu; replaces alanine 593 with glutamic acid.
Molecular consequence: missense variant.
Genome position (GRCh38, 1-based): chr12:8,847,643, C>A. VCF-style: chr12-8847643-C-A. GRCh37 (hg19) VCF-style: chr12-9000239-C-A.
Other names: c.305C>A, p.Ala102Glu (NM_001282424.3); short protein forms A102E, A593E.
Identifiers: ClinVar variation 1055802 (VCV001055802.12), dbSNP rs199779757, ClinGen allele CA6435813.

ClinVar aggregate classification (germline): Uncertain significance. Review status: criteria provided, multiple submitters, no conflicts (2 of 4 stars). 2 submissions from 2 submitters: Uncertain significance (2). Last evaluated 2025-09-20.

Allele frequency attached by ClinVar (database versions not stated): 1000 Genomes Project 30x 0.00031; 1000 Genomes Project 0.00020; gnomAD 0.00001.
gnomAD v4.1: 13 of 1,613,772 alleles (0.00081%); highest among the groups gnomAD compares: African/African-American, 0.0027%; no homozygotes.

Submissions (2):

Labcorp Genetics (formerly Invitae), Labcorp
Classification: Uncertain significance. Last evaluated: 2025-09-20. Review status: criteria provided, single submitter. Criteria: Invitae Variant Classification Sherloc (09022015). Collection method: clinical testing. Allele origin: germline.
Comment: This sequence change replaces alanine, which is neutral and non-polar, with glutamic acid, which is acidic and polar, at codon 593 of the A2ML1 protein (p.Ala593Glu). This variant is present in population databases (rs199779757, gnomAD 0.002%). This variant has not been reported in the literature in individuals affected with A2ML1-related conditions. ClinVar contains an entry for this variant (Variation ID: 1055802). An algorithm developed to predict the effect of missense changes on protein structure and function (PolyPhen-2) suggests that this variant is likely to be disruptive. In summary, the available evidence is currently insufficient to determine the role of this variant in disease. Therefore, it has been classified as a Variant of Uncertain Significance.

Ambry Genetics
Classification: Uncertain significance. Last evaluated: 2024-12-13. Review status: criteria provided, single submitter. Criteria: Ambry Variant Classification Scheme 2023. Collection method: clinical testing. Allele origin: germline.
Comment: The p.A593E variant (also known as c.1778C>A), located in coding exon 15 of the A2ML1 gene, results from a C to A substitution at nucleotide position 1778. The alanine at codon 593 is replaced by glutamic acid, an amino acid with dissimilar properties. This amino acid position is conserved. In addition, this alteration is predicted to be deleterious by in silico analysis. Since supporting evidence is limited at this time, the clinical significance of this alteration remains unclear.